The following is an entry in ClinVar:

NM_000213.5(ITGB4):c.1936C>T (p.Arg646Cys)

Gene: ITGB4 (integrin subunit beta 4; plus strand). Cytogenetic location: 17q25.1.
Variant type: single nucleotide variant.
Coding change: c.1936C>T on transcript NM_000213.5 (MANE Select); coding-DNA position 1936, C replaced by T.
Protein change: p.Arg646Cys; replaces arginine 646 with cysteine.
Molecular consequence: missense variant.
Genome position (GRCh38, 1-based): chr17:75,736,640, C>T. VCF-style: chr17-75736640-C-T. GRCh37 (hg19) VCF-style: chr17-73732721-C-T.
Other names: c.1936C>T, p.Arg646Cys (NM_001005731.3, NM_001321123.2, NM_001005619.2); short protein forms R646C.
Identifiers: ClinVar variation 891026 (VCV000891026.7), dbSNP rs201350965, ClinGen allele CA8769191.

ClinVar aggregate classification (germline): Uncertain significance. Review status: criteria provided, multiple submitters, no conflicts (2 of 4 stars). 4 submissions from 4 submitters: Uncertain significance (4). Last evaluated 2025-04-30.

Conditions:
Junctional epidermolysis bullosa with pyloric atresia. Also called: APLASIA CUTIS CONGENITA WITH GASTROINTESTINAL ATRESIA; CARMI SYNDROME; EB-PA-ACC; EPIDERMOLYSIS BULLOSA, JUNCTIONAL 5B, WITH PYLORIC ATRESIA; ITGB4-Related Epidermolysis Bullosa with Pyloric Atresia; ITGA6-Related Epidermolysis Bullosa with Pyloric Atresia. Identifiers: Orphanet 79403, MedGen C5676875, MONDO:0009183, OMIM 226730.
Epidermolysis bullosa, junctional 5A, intermediate. Also called: EPIDERMOLYSIS BULLOSA, JUNCTIONAL 5A, GENERALIZED INTERMEDIATE; EPIDERMOLYSIS BULLOSA, JUNCTIONAL 5A, NON-HERLITZ TYPE. Identifiers: MedGen C5676956, MONDO:0030768, OMIM 619816.
Inborn genetic diseases. Identifiers: MedGen C0950123, MeSH D030342.

Allele frequency attached by ClinVar (database versions not stated): gnomAD 0.00006 and 0.00007; TOPMed 0.00012; gnomAD exomes 0.00014; ESP Exome Variant Server 0.00015; 1000 Genomes Project 30x 0.00016; ExAC 0.00017; 1000 Genomes Project 0.00020.
gnomAD v4.1: 284 of 1,600,640 alleles (0.018%); highest among the groups gnomAD compares: Non-Finnish European, 0.022%; no homozygotes.

Submissions (4):

Ambry Genetics
Classification: Uncertain significance for Inborn genetic diseases. Last evaluated: 2025-04-30. Review status: criteria provided, single submitter. Criteria: Ambry Variant Classification Scheme 2023. Collection method: clinical testing. Allele origin: germline.

Fulgent Genetics
Classification: Uncertain significance for Junctional epidermolysis bullosa with pyloric atresia; Epidermolysis bullosa, junctional 5A, intermediate. Last evaluated: 2024-05-17. Review status: criteria provided, single submitter. Criteria: ACMG Guidelines, 2015. Collection method: clinical testing. Allele origin: germline.

GeneDx
Classification: Uncertain significance. Last evaluated: 2022-01-11. Review status: criteria provided, single submitter. Criteria: GeneDx Variant Classification Process June 2021. Collection method: clinical testing. Allele origin: germline. Affected: yes.
Comment: Has not been previously published as pathogenic or benign to our knowledge; In silico analysis supports that this missense variant has a deleterious effect on protein structure/function

Illumina Laboratory Services, Illumina
Classification: Uncertain significance for Junctional epidermolysis bullosa with pyloric atresia. Last evaluated: 2018-01-12. Review status: criteria provided, single submitter. Criteria: ICSL Variant Classification Criteria 13 December 2019. Collection method: clinical testing. Allele origin: germline.